The following is an entry in ClinVar:

NM_001254.4(CDC6):c.1577A>G (p.Glu526Gly)

Gene: CDC6 (cell division cycle 6; plus strand). Cytogenetic location: 17q21.2.
Variant type: single nucleotide variant.
Coding change: c.1577A>G on transcript NM_001254.4 (MANE Select); coding-DNA position 1577, A replaced by G.
Protein change: p.Glu526Gly; replaces glutamic acid 526 with glycine.
Molecular consequence: missense variant.
Genome position (GRCh38, 1-based): chr17:40,301,592, A>G. VCF-style: chr17-40301592-A-G. GRCh37 (hg19) VCF-style: chr17-38457844-A-G.
Other names: short protein forms E526G.
Identifiers: ClinVar variation 2778347 (VCV002778347.3), dbSNP rs909309827, ClinGen allele CA290500247.

ClinVar aggregate classification (germline): Uncertain significance (1 of 4 stars; one submission).

Allele frequency attached by ClinVar (database versions not stated): gnomAD exomes below 0.00001; gnomAD 0.00001; TOPMed 0.00001.
gnomAD v4.1: 3 of 1,614,066 alleles (0.00019%); highest among the groups gnomAD compares: African/African-American, 0.0013%; no homozygotes.

Submission:

Labcorp Genetics (formerly Invitae), Labcorp
Classification: Uncertain significance. Last evaluated: 2022-11-14. Review status: criteria provided, single submitter. Criteria: Invitae Variant Classification Sherloc (09022015). Collection method: clinical testing. Allele origin: germline.
Comment: This sequence change replaces glutamic acid, which is acidic and polar, with glycine, which is neutral and non-polar, at codon 526 of the CDC6 protein (p.Glu526Gly). This variant is present in population databases (no rsID available, gnomAD 0.003%). This variant has not been reported in the literature in individuals affected with CDC6-related conditions. Algorithms developed to predict the effect of missense changes on protein structure and function are either unavailable or do not agree on the potential impact of this missense change (SIFT: "Deleterious"; PolyPhen-2: "Probably Damaging"; Align-GVGD: "Class C0"). In summary, the available evidence is currently insufficient to determine the role of this variant in disease. Therefore, it has been classified as a Variant of Uncertain Significance.